The following is an entry in ClinVar:

ClinVar aggregate classification (germline): Uncertain significance (1 of 4 stars; one submission).

Conditions:
Hyperekplexia 2 (HKPX2). Identifiers: Orphanet 3197, MedGen C3553291, MONDO:0013828, OMIM 614619.

Submission:

Labcorp Genetics (formerly Invitae), Labcorp
Classification: Uncertain significance for Hyperekplexia 2. Last evaluated: 2025-06-15. Review status: criteria provided, single submitter. Criteria: Invitae Variant Classification Sherloc (09022015). Collection method: clinical testing. Allele origin: germline.
Comment: This sequence change replaces leucine, which is neutral and non-polar, with serine, which is neutral and polar, at codon 10 of the GLRB protein (p.Leu10Ser). This variant is not present in population databases (gnomAD no frequency). This variant has not been reported in the literature in individuals affected with GLRB-related conditions. Invitae Evidence Modeling of protein sequence and biophysical properties (such as structural, functional, and spatial information, amino acid conservation, physicochemical variation, residue mobility, and thermodynamic stability) indicates that this missense variant is not expected to disrupt GLRB protein function with a negative predictive value of 95%. In summary, the available evidence is currently insufficient to determine the role of this variant in disease. Therefore, it has been classified as a Variant of Uncertain Significance.

NM_000824.5(GLRB):c.29T>C (p.Leu10Ser)

Gene: GLRB (glycine receptor beta; plus strand). Cytogenetic location: 4q32.1.
Variant type: single nucleotide variant.
Coding change: c.29T>C on transcript NM_000824.5 (MANE Select); coding-DNA position 29, T replaced by C.
Protein change: p.Leu10Ser; replaces leucine 10 with serine.
Molecular consequence: missense variant. On other transcripts: 5 prime UTR variant (1).
Genome position (GRCh38, 1-based): chr4:157,078,053, T>C. VCF-style: chr4-157078053-T-C. GRCh37 (hg19) VCF-style: chr4-157999205-T-C.
Other names: c.29T>C, p.Leu10Ser (NM_001166060.2, NM_001166061.2); c.-327T>C (NM_001440545.1); short protein forms L10S.
Identifiers: ClinVar variation 4797907 (VCV004797907.1).